The following is an entry in ClinVar:

ClinVar aggregate classification (germline): Uncertain significance (1 of 4 stars; one submission).

gnomAD v4.1: 7 of 1,531,620 alleles (0.00046%); highest among the groups gnomAD compares: Non-Finnish European, 0.00061%; no homozygotes.

Submission:

Labcorp Genetics (formerly Invitae), Labcorp
Classification: Uncertain significance. Last evaluated: 2024-05-29. Review status: criteria provided, single submitter. Criteria: Invitae Variant Classification Sherloc (09022015). Collection method: clinical testing. Allele origin: germline.
Comment: This sequence change replaces glutamine, which is neutral and polar, with histidine, which is basic and polar, at codon 887 of the ARHGEF18 protein (p.Gln887His). This variant is present in population databases (no rsID available, gnomAD 0.002%). This variant has not been reported in the literature in individuals affected with ARHGEF18-related conditions. ClinVar contains an entry for this variant (Variation ID: 2064322). An algorithm developed to predict the effect of missense changes on protein structure and function (PolyPhen-2) suggests that this variant is likely to be tolerated. In summary, the available evidence is currently insufficient to determine the role of this variant in disease. Therefore, it has been classified as a Variant of Uncertain Significance.

NM_001367823.1(ARHGEF18):c.3225G>C (p.Gln1075His)

Gene: ARHGEF18 (Rho/Rac guanine nucleotide exchange factor 18; plus strand). Cytogenetic location: 19p13.2.
Variant type: single nucleotide variant.
Coding change: c.3225G>C on transcript NM_001367823.1 (MANE Select); coding-DNA position 3225, G replaced by C.
Protein change: p.Gln1075His; replaces glutamine 1075 with histidine.
Molecular consequence: missense variant.
Genome position (GRCh38, 1-based): chr19:7,467,429, G>C. VCF-style: chr19-7467429-G-C. GRCh37 (hg19) VCF-style: chr19-7532315-G-C.
Other names: c.2499G>C, p.Gln833His (NM_001130955.2); c.2187G>C, p.Gln729His (NM_001367824.1, NM_015318.4); short protein forms Q1075H, Q729H, Q833H.
Identifiers: ClinVar variation 2064322 (VCV002064322.4), dbSNP rs1412422080, ClinGen allele CA403088245.